The following is an entry in ClinVar:

NM_001458.5(FLNC):c.3791-3C>T

Gene: FLNC (filamin C; plus strand). Cytogenetic location: 7q32.1.
Variant type: single nucleotide variant.
Coding change: c.3791-3C>T on transcript NM_001458.5 (MANE Select); 3 bases into the intron before coding-DNA position 3791, C replaced by T.
Molecular consequence: intron variant.
Genome position (GRCh38, 1-based): chr7:128,845,987, C>T. VCF-style: chr7-128845987-C-T. GRCh37 (hg19) VCF-style: chr7-128486041-C-T.
Other names: p.?; c.3791-3C>T (NM_001127487.2).
Identifiers: ClinVar variation 4683304 (VCV004683304.1).
Genomic context (GRCh38, chr7:128,845,987, plus strand): 5'-AGAGGGAGCATCTGTGTGAAGGCTGCCCCCACCCCTGCTGAACACGCCACCCCTGGGCTC[C>T]AGGTGTCCTGCGGGAGGTGACCACTGAGTTCACTGTGGATGCAAGATCCCTAACAGCCAC-3'

ClinVar aggregate classification (germline): Likely benign (1 of 4 stars; one submission).

Submission:

Mayo Clinic Laboratories, Mayo Clinic
Classification: Likely benign. Last evaluated: 2025-11-22. Review status: criteria provided, single submitter. Criteria: ACMG Guidelines, 2015. Collection method: clinical testing. Allele origin: germline. Observed: 1 variant allele.
Comment: BP4, BP7, PM2_supporting